The following is an entry in ClinVar:

NM_000321.3(RB1):c.1696-13A>T

Gene: RB1 (RB transcriptional corepressor 1; plus strand). Cytogenetic location: 13q14.2.
Variant type: single nucleotide variant.
Coding change: c.1696-13A>T on transcript NM_000321.3 (MANE Select); 13 bases into the intron before coding-DNA position 1696, A replaced by T.
Molecular consequence: intron variant.
Genome position (GRCh38, 1-based): chr13:48,452,980, A>T. VCF-style: chr13-48452980-A-T. GRCh37 (hg19) VCF-style: chr13-49027116-A-T.
Other names: c.1696-13A>T (NM_001407165.1).
Identifiers: ClinVar variation 3387569 (VCV003387569.1).

ClinVar aggregate classification (germline): Likely benign (1 of 4 stars; one submission).

Conditions:
Retinoblastoma (RB1). Also called: RETINOBLASTOMA, SOMATIC. Identifiers: Orphanet 790, MedGen C0035335, MeSH D012175, MONDO:0008380, OMIM 180200, HP:0009919. Disease mechanism: loss of function. Inheritance: Both sporadic and heritable forms are tested..

gnomAD v4.1: 1 of 1,611,656 alleles (0.000062%); highest among the groups gnomAD compares: Non-Finnish European, 0.000085%; no homozygotes.

Submission:

All of Us Research Program, National Institutes of Health
Classification: Likely benign for Retinoblastoma. Last evaluated: 2024-06-09. Review status: criteria provided, single submitter. Criteria: ACMG Guidelines, 2015. Collection method: clinical testing. Allele origin: germline. Inheritance: Autosomal dominant inheritance. Observed: 1 variant allele, 1 heterozygote.
Comment: This study involves interpretation of variants in research participants for the purpose of population health screening. Participant phenotype was not available at the time of variant classification. Additional details can be found in publication PMID: 35346344, PMCID: PMC8962531